The following is an entry in ClinVar:

ClinVar aggregate classification (germline): Uncertain significance (1 of 4 stars; one submission).

Submission:

Labcorp Genetics (formerly Invitae), Labcorp
Classification: Uncertain significance. Last evaluated: 2025-11-27. Review status: criteria provided, single submitter. Criteria: Invitae Variant Classification Sherloc (09022015). Collection method: clinical testing. Allele origin: germline.
Comment: This sequence change replaces leucine, which is neutral and non-polar, with phenylalanine, which is neutral and non-polar, at codon 1512 of the VPS13D protein (p.Leu1512Phe). This variant is present in population databases (rs777440194, gnomAD 0.006%). This variant has not been reported in the literature in individuals affected with VPS13D-related conditions. Invitae Evidence Modeling of protein sequence and biophysical properties (such as structural, functional, and spatial information, amino acid conservation, physicochemical variation, residue mobility, and thermodynamic stability) indicates that this missense variant is not expected to disrupt VPS13D protein function with a negative predictive value of 80%. Algorithms developed to predict the effect of sequence changes on RNA splicing suggest that this variant may create or strengthen a splice site. In summary, the available evidence is currently insufficient to determine the role of this variant in disease. Therefore, it has been classified as a Variant of Uncertain Significance.

NM_015378.4(VPS13D):c.4534C>T (p.Leu1512Phe)

Gene: VPS13D (vacuolar protein sorting 13 homolog D; plus strand). Cytogenetic location: 1p36.22.
Variant type: single nucleotide variant.
Coding change: c.4534C>T on transcript NM_015378.4 (MANE Select); coding-DNA position 4534, C replaced by T.
Protein change: p.Leu1512Phe; replaces leucine 1512 with phenylalanine.
Molecular consequence: missense variant.
Genome position (GRCh38, 1-based): chr1:12,279,582, C>T. VCF-style: chr1-12279582-C-T. GRCh37 (hg19) VCF-style: chr1-12339639-C-T.
Other names: c.4534C>T, p.Leu1512Phe (NM_018156.4); short protein forms L1512F.
Identifiers: ClinVar variation 4696440 (VCV004696440.1).